The following is an entry in ClinVar:

NM_004393.6(DAG1):c.1883_1887delinsACTTT (p.Ala628_Leu629delinsAspPhe)

Gene: DAG1 (dystroglycan 1; plus strand). Cytogenetic location: 3p21.31.
Variant type: Indel.
Coding change: c.1883_1887delinsACTTT on transcript NM_004393.6 (MANE Select); coding-DNA positions 1883 to 1887, CCTTG replaced by ACTTT.
Protein change: p.Ala628_Leu629delinsAspPhe.
Molecular consequence: missense variant.
Genome position (GRCh38, 1-based): chr3:49,532,394-49,532,398, CCTTG replaced by ACTTT. VCF-style: chr3-49532394-CCTTG-ACTTT. GRCh37 (hg19) VCF-style: chr3-49569827-CCTTG-ACTTT.
Other names: c.1883_1887delinsACTTT, p.Ala628_Leu629delinsAspPhe (NM_001165928.4, NM_001177634.3, NM_001177635.3 and 9 more transcripts).
Identifiers: ClinVar variation 580967 (VCV000580967.2), dbSNP rs1559580384, ClinGen allele CA891842806.

ClinVar aggregate classification (germline): Uncertain significance (1 of 4 stars; one submission).

Conditions:
Muscular dystrophy-dystroglycanopathy (congenital with brain and eye anomalies), type A9. Also called: WALKER-WARBURG SYNDROME OR MUSCLE-EYE BRAIN DISEASE, DAG1-RELATED; Muscular dystrophy-dystroglycanopathy (congenital with brain and eye anomalies), type a, 9. Identifiers: Orphanet 370997, Orphanet 899, MedGen C4225291, MONDO:0014683, OMIM 616538.
Autosomal recessive limb-girdle muscular dystrophy type 2P. Also called: Limb-Girdle Muscular Dystrophy Type 9C; MUSCULAR DYSTROPHY-DYSTROGLYCANOPATHY, LIMB-GIRDLE, DAG1-RELATED; MUSCULAR DYSTROPHY, LIMB-GIRDLE, TYPE 2P. Identifiers: Orphanet 280333, MedGen C4511963, MONDO:0013440, OMIM 613818.

Submission:

Labcorp Genetics (formerly Invitae), Labcorp
Classification: Uncertain significance for Limb-girdle muscular dystrophy-dystroglycanopathy, type C9; Muscular dystrophy-dystroglycanopathy (congenital with brain and eye anomalies), type a, 9. Last evaluated: 2018-02-04. Review status: criteria provided, single submitter. Criteria: Invitae Variant Classification Sherloc (09022015). Collection method: clinical testing. Allele origin: germline.
Comment: This variant, c.1883_1887delinsACTTT, results in the insertion of two amino acid to the DAG1 protein p.Ala628_Leu629delinsAspPh), but otherwise preserves the integrity of the reading frame. This variant is not present in population databases (ExAC no frequency). This variant has not been reported in the literature in individuals with DAG1-related disease. Experimental studies and prediction algorithms are not available for this variant, and the functional significance of the disrupted amino acids is currently unknown. In summary, the available evidence is currently insufficient to determine the role of this variant in disease. Therefore, it has been classified as a Variant of Uncertain Significance.